The following is an entry in ClinVar:

ClinVar aggregate classification (germline): Likely pathogenic (1 of 4 stars; one submission).

Conditions:
Combined immunodeficiency with skin granulomas. Identifiers: Orphanet 157949, MedGen C2673536, MONDO:0009306, OMIM 233650.
Severe combined immunodeficiency, autosomal recessive, T cell-negative, B cell-negative, NK cell-positive. Also called: SCID, AR, T-cell negative, B-cell negative, NK cell-positive; SCID, T CELL-NEGATIVE, B CELL-NEGATIVE, NK CELL-POSITIVE; Severe combined immunodeficiency due to complete RAG1/2 deficiency. Identifiers: Orphanet 331206, MedGen C1832322, MONDO:0011086, OMIM 601457.

Submission:

Labcorp Genetics (formerly Invitae), Labcorp
Classification: Likely pathogenic for Combined immunodeficiency with skin granulomas; Severe combined immunodeficiency, autosomal recessive, T cell-negative, B cell-negative, NK cell-positive. Last evaluated: 2023-07-10. Review status: criteria provided, single submitter. Criteria: Invitae Variant Classification Sherloc (09022015). Collection method: clinical testing. Allele origin: germline.
Comment: This sequence change replaces alanine, which is neutral and non-polar, with valine, which is neutral and non-polar, at codon 804 of the RAG1 protein (p.Ala804Val). This variant is not present in population databases (gnomAD no frequency). In summary, the currently available evidence indicates that the variant is pathogenic, but additional data are needed to prove that conclusively. Therefore, this variant has been classified as Likely Pathogenic. Advanced modeling of protein sequence and biophysical properties (such as structural, functional, and spatial information, amino acid conservation, physicochemical variation, residue mobility, and thermodynamic stability) has been performed at Invitae for this missense variant, however the output from this modeling did not meet the statistical confidence thresholds required to predict the impact of this variant on RAG1 protein function. ClinVar contains an entry for this variant (Variation ID: 1467531). This missense change has been observed in individual(s) with severe combined immunodeficiency (Invitae).

NM_000448.3(RAG1):c.2411C>T (p.Ala804Val)

Gene: RAG1 (recombination activating 1; plus strand). Cytogenetic location: 11p12.
Variant type: single nucleotide variant.
Coding change: c.2411C>T on transcript NM_000448.3 (MANE Select); coding-DNA position 2411, C replaced by T.
Protein change: p.Ala804Val; replaces alanine 804 with valine.
Molecular consequence: missense variant.
Genome position (GRCh38, 1-based): chr11:36,575,715, C>T. VCF-style: chr11-36575715-C-T. GRCh37 (hg19) VCF-style: chr11-36597265-C-T.
Other names: c.2411C>T, p.Ala804Val (NM_001377277.1, NM_001377278.1, NM_001377279.1 and 1 more transcripts); short protein forms A804V.
Identifiers: ClinVar variation 1467531 (VCV001467531.8), dbSNP rs2133297485, ClinGen allele CA380154661.